The following is an entry in ClinVar:

NM_000384.3(APOB):c.7605C>A (p.Tyr2535Ter)

Gene: APOB (apolipoprotein B; minus strand). Cytogenetic location: 2p24.1.
Variant type: single nucleotide variant.
Coding change: c.7605C>A on transcript NM_000384.3 (MANE Select); coding-DNA position 7605, C replaced by A.
Protein change: p.Tyr2535Ter; replaces tyrosine 2535 with a stop codon.
Molecular consequence: nonsense.
Genome position (GRCh38, 1-based): chr2:21,009,263, G>T on the plus strand (C>A on the coding strand, the complement: APOB is on the minus strand). VCF-style: chr2-21009263-G-T. GRCh37 (hg19) VCF-style: chr2-21232135-G-T.
Other names: short protein forms Y2535*.
Identifiers: ClinVar variation 544071 (VCV000544071.9), dbSNP rs1553383473, ClinGen allele CA345996793.

ClinVar aggregate classification (germline): Pathogenic (1 of 4 stars; one submission).

Conditions:
Familial hypobetalipoproteinemia 1. Also called: Hypobetalipoproteinemia, normotriglyceridemic; Acanthocytosis with hypobetalipoproteinemia; APOB-Related Familial Hypobetalipoproteinemia. Identifiers: MedGen C4551990, MONDO:0014252, OMIM 615558.
Hypercholesterolemia, autosomal dominant, type B (FHCL2). Also called: Familial hypercholesterolemia 2; APOB-Related Familial Hypercholesterolemia, Autosomal Dominant; HYPERCHOLESTEROLEMIA, FAMILIAL, DUE TO LIGAND-DEFECTIVE APOLIPOPROTEIN B; Hyperlipoproteinemia Type IIb; Familial Hypercholesterolemia Type B; APOLIPOPROTEIN B-100, FAMILIAL DEFECTIVE. Identifiers: MedGen C1704417, MONDO:0007751, OMIM 144010.

Submission:

Labcorp Genetics (formerly Invitae), Labcorp
Classification: Pathogenic for Familial hypobetalipoproteinemia 1; Hypercholesterolemia, autosomal dominant, type B. Last evaluated: 2023-01-24. Review status: criteria provided, single submitter. Criteria: Invitae Variant Classification Sherloc (09022015). Collection method: clinical testing. Allele origin: germline.
Comment: For these reasons, this variant has been classified as Pathogenic. ClinVar contains an entry for this variant (Variation ID: 544071). This variant has not been reported in the literature in individuals affected with APOB-related conditions. This variant is not present in population databases (gnomAD no frequency). This sequence change creates a premature translational stop signal (p.Tyr2535*) in the APOB gene. It is expected to result in an absent or disrupted protein product. Loss-of-function variants in APOB are known to be pathogenic (PMID: 20032471).

Literature cited by the submitters: PubMed 20032471.